The following is an entry in ClinVar:

NM_006531.5(IFT88):c.2261G>A (p.Ser754Asn)

Gene: IFT88 (intraflagellar transport 88; plus strand). Cytogenetic location: 13q12.11.
Variant type: single nucleotide variant.
Coding change: c.2261G>A on transcript NM_006531.5 (MANE Select); coding-DNA position 2261, G replaced by A.
Protein change: p.Ser754Asn; replaces serine 754 with asparagine.
Molecular consequence: missense variant. On other transcripts: non-coding transcript variant (4), intron variant (5).
Genome position (GRCh38, 1-based): chr13:20,690,723, G>A. VCF-style: chr13-20690723-G-A. GRCh37 (hg19) VCF-style: chr13-21264862-G-A.
Other names: c.2204G>A, p.Ser735Asn (NM_001318491.2); c.2288G>A, p.Ser763Asn (NM_001318493.2, NM_001353565.2, NM_001353566.2 and 2 more transcripts); c.2261G>A, p.Ser754Asn (NM_001353568.2); c.2186G>A, p.Ser729Asn (NM_001353569.2, NM_001353570.2); c.2159G>A, p.Ser720Asn (NM_001353571.2); c.2117G>A, p.Ser706Asn (NM_001353573.2); c.2102G>A, p.Ser701Asn (NM_001353574.2); c.1628G>A, p.Ser543Asn (NM_001353579.2); and 4 more; short protein forms S706N, S729N, S543N, S754N, S763N, S701N, S720N, S735N.
Identifiers: ClinVar variation 1947308 (VCV001947308.5), dbSNP rs767561703, ClinGen allele CA6905729.

ClinVar aggregate classification (germline): Uncertain significance (1 of 4 stars; one submission).

Allele frequency attached by ClinVar (database versions not stated): gnomAD exomes below 0.00001; ExAC 0.00002.
gnomAD v4.1: 6 of 1,612,068 alleles (0.00037%); highest among the groups gnomAD compares: South Asian, 0.0066%; no homozygotes.

Submission:

Labcorp Genetics (formerly Invitae), Labcorp
Classification: Uncertain significance. Last evaluated: 2022-08-27. Review status: criteria provided, single submitter. Criteria: Invitae Variant Classification Sherloc (09022015). Collection method: clinical testing. Allele origin: germline.
Comment: This variant is present in population databases (rs767561703, gnomAD 0.01%). This sequence change replaces serine, which is neutral and polar, with asparagine, which is neutral and polar, at codon 763 of the IFT88 protein (p.Ser763Asn). In summary, the available evidence is currently insufficient to determine the role of this variant in disease. Therefore, it has been classified as a Variant of Uncertain Significance. Algorithms developed to predict the effect of missense changes on protein structure and function are either unavailable or do not agree on the potential impact of this missense change (SIFT: "Not Available"; PolyPhen-2: "Benign"; Align-GVGD: "Not Available"). This variant has not been reported in the literature in individuals affected with IFT88-related conditions.